The following is an entry in ClinVar:

ClinVar aggregate classification (germline): Uncertain significance (1 of 4 stars; one submission).

Submission:

Dasa
Classification: Uncertain significance. Last evaluated: 2024-06-17. Review status: criteria provided, single submitter. Criteria: DASA Assertion Criteria. Collection method: clinical testing. Allele origin: germline.
Comment: NM_003136.4(SRP54):c.440A>G (p.Gln147Arg) is a missense variant that results in the substitution of glutamine with arginine. This variant has been observed in affected individuals with SRP54-related disorders. Also, this variant is rare in population databases. The currently available literature and clinical evidence are not sufficient to establish a definitive association between this variant and the reported condition. Therefore, this variant is classified as a variant of uncertain significance.

NM_003136.4(SRP54):c.440A>G (p.Gln147Arg)

Gene: SRP54 (signal recognition particle 54; plus strand). Cytogenetic location: 14q13.2.
Variant type: single nucleotide variant.
Coding change: c.440A>G on transcript NM_003136.4 (MANE Select); coding-DNA position 440, A replaced by G.
Protein change: p.Gln147Arg; replaces glutamine 147 with arginine.
Molecular consequence: missense variant.
Genome position (GRCh38, 1-based): chr14:35,008,786, A>G. VCF-style: chr14-35008786-A-G. GRCh37 (hg19) VCF-style: chr14-35477992-A-G.
Other names: c.293A>G, p.Gln98Arg (NM_001146282.2); c.440A>G, p.Gln147Arg (NM_001411017.1, NM_001440813.1); short protein forms Q147R, Q98R.
Identifiers: ClinVar variation 4885804 (VCV004885804.2).